The following is an entry in ClinVar:

NM_134261.3(RORA):c.520C>T (p.Gln174Ter)

Genes: RORA (RAR related orphan receptor A; minus strand), RORA-AS1 (RORA antisense RNA 1; plus strand). Cytogenetic location: 15q22.2.
Variant type: single nucleotide variant.
Coding change: c.520C>T on transcript NM_134261.3 (MANE Select); coding-DNA position 520, C replaced by T.
Protein change: p.Gln174Ter; replaces glutamine 174 with a stop codon.
Molecular consequence: nonsense.
Genome position (GRCh38, 1-based): chr15:60,511,526, G>A on the plus strand (C>T on the coding strand, the complement: RORA is on the minus strand). VCF-style: chr15-60511526-G-A. GRCh37 (hg19) VCF-style: chr15-60803725-G-A.
Other names: c.619C>T (NM_134260.2); c.595C>T, p.Gln199Ter (NM_002943.4); c.619C>T, p.Gln207Ter (NM_134260.3); c.355C>T, p.Gln119Ter (NM_134262.3); short protein forms Q119*, Q174*, Q199*, Q207*.
Identifiers: ClinVar variation 4529682 (VCV004529682.2).

ClinVar aggregate classification (germline): Pathogenic. Review status: criteria provided, multiple submitters, no conflicts (2 of 4 stars). 2 submissions from 2 submitters: Pathogenic (2). Last evaluated 2025-05-12.

Conditions:
Intellectual developmental disorder with or without epilepsy or cerebellar ataxia. Identifiers: MedGen C4748041, MONDO:0060745, OMIM 618060.

Submissions (2):

GeneDx
Classification: Pathogenic. Last evaluated: 2025-05-12. Review status: criteria provided, single submitter. Criteria: GeneDx Variant Classification Process June 2021. Collection method: clinical testing. Allele origin: germline. Affected: yes.
Comment: Nonsense variant predicted to result in protein truncation or nonsense mediated decay in a gene for which loss of function is a known mechanism of disease; Not observed in large population cohorts (gnomAD); Has not been previously published as pathogenic or benign to our knowledge

Clinical Genetics Service, Universitary Hospital 12 de Octubre
Classification: Pathogenic for Intellectual developmental disorder with or without epilepsy or cerebellar ataxia. Review status: criteria provided, single submitter. Criteria: ACMG Guidelines, 2015. Collection method: clinical testing. Allele origin: germline. Affected: yes.